The following is an entry in ClinVar:

NM_000186.4(CFH):c.273T>C (p.Thr91=)

Gene: CFH (complement factor H; plus strand). Cytogenetic location: 1q31.3.
Variant type: single nucleotide variant.
Coding change: c.273T>C on transcript NM_000186.4 (MANE Select); coding-DNA position 273, T replaced by C.
Protein change: p.Thr91=; no amino-acid change (threonine 91 retained).
Molecular consequence: synonymous variant.
Genome position (GRCh38, 1-based): chr1:196,673,885, T>C. VCF-style: chr1-196673885-T-C. GRCh37 (hg19) VCF-style: chr1-196643015-T-C.
Other names: c.273T>C, p.Thr91= (NM_001014975.3).
Identifiers: ClinVar variation 4291586 (VCV004291586.1).

ClinVar aggregate classification (germline): Likely benign (1 of 4 stars; one submission).

Conditions:
Atypical hemolytic-uremic syndrome. Identifiers: Orphanet 2134, MedGen C2931788, MONDO:0016244.
Basal laminar drusen. Also called: DRUSEN OF BRUCH MEMBRANE; DRUSEN, CUTICULAR; DRUSEN, EARLY ADULT-ONSET, GROUPED. Identifiers: Orphanet 75376, MedGen C0730295, MONDO:0007472, OMIM 126700.
Factor H deficiency (CFHD). Also called: COMPLEMENT FACTOR H DEFICIENCY; CFH DEFICIENCY. Identifiers: Orphanet 200421, MedGen C0398777, MONDO:0012350, OMIM 609814.
Age related macular degeneration 4. Identifiers: MedGen C1853147, MONDO:0012540, OMIM 610698.

Submission:

Genomenon, Inc
Classification: Likely benign for Basal laminar drusen; Age related macular degeneration 4; Atypical hemolytic-uremic syndrome; Factor H deficiency. Last evaluated: 2025-10-02. Review status: criteria provided, single submitter. Criteria: Genomenon Sequence Variant Interpretation Standards - Updated. Collection method: curation. Allele origin: germline. Affected: no.
Comment: CFH p.Thr91= (c.273T>C) is a synonymous variant that retains Threonine at residue 91. This variant has been reported in the published literature (PMID:36211394). This synonymous variant is not predicted to impact splicing. It is absent or not present at a significant frequency in gnomAD. In conclusion, we classify CFH p.Thr91Thr (c.273T>C) as a likely benign variant.

Literature cited by the submitters: PubMed 36211394.